The following is an entry in ClinVar:

NM_025233.7(COASY):c.-206G>A

Genes: COASY (Coenzyme A synthase; plus strand), LOC130060907 (ATAC-STARR-seq lymphoblastoid active region 12206; plus strand). Cytogenetic location: 17q21.2.
Variant type: single nucleotide variant.
Coding change: c.-206G>A on transcript NM_025233.7 (MANE Select); 206 bases upstream of the start codon, G replaced by A.
Molecular consequence: 5 prime UTR variant. On other transcripts: synonymous variant (1), intron variant (1).
Genome position (GRCh38, 1-based): chr17:42,562,417, G>A. VCF-style: chr17-42562417-G-A. GRCh37 (hg19) VCF-style: chr17-40714435-G-A.
Other names: c.6G>A, p.Arg2= (NM_001042532.4); c.-11-195G>A (NM_001042529.3).
Identifiers: ClinVar variation 3026888 (VCV003026888.22), dbSNP rs774748328, ClinGen allele CA8577832.

ClinVar aggregate classification (germline): Likely benign (1 of 4 stars; one submission).

Allele frequency attached by ClinVar (database versions not stated): gnomAD exomes below 0.00001; gnomAD 0.00001; TOPMed 0.00001; ExAC 0.00003.
gnomAD v4.1: 5 of 1,613,716 alleles (0.00031%); highest among the groups gnomAD compares: Non-Finnish European, 0.00042%; no homozygotes.

Submission:

CeGaT Center for Human Genetics Tuebingen
Classification: Likely benign. Last evaluated: 2024-01-01. Review status: criteria provided, single submitter. Criteria: CeGaT Center For Human Genetics Tuebingen Variant Classification Criteria Version 2. Collection method: clinical testing. Allele origin: germline. Affected: yes. Observed: 1 variant allele.
Comment: COASY: BP4, BP7